The following is an entry in ClinVar:

NM_147127.5(EVC2):c.3386C>T (p.Ala1129Val)

Gene: EVC2 (EvC ciliary complex subunit 2; minus strand). Cytogenetic location: 4p16.2.
Variant type: single nucleotide variant.
Coding change: c.3386C>T on transcript NM_147127.5 (MANE Select); coding-DNA position 3386, C replaced by T.
Protein change: p.Ala1129Val; replaces alanine 1129 with valine.
Molecular consequence: missense variant.
Genome position (GRCh38, 1-based): chr4:5,568,615, G>A on the plus strand (C>T on the coding strand, the complement: EVC2 is on the minus strand). VCF-style: chr4-5568615-G-A. GRCh37 (hg19) VCF-style: chr4-5570342-G-A.
Other names: c.3146C>T, p.Ala1049Val (NM_001166136.2); short protein forms A1129V, A1049V.
Identifiers: ClinVar variation 2071493 (VCV002071493.2), dbSNP rs758710828, ClinGen allele CA2834332.
Genomic context (GRCh38, chr4:5,568,615, plus strand): 5'-GTGGGCAGTACCACACTCAGGAGCCGGCGAAGCGTGGCCCCGGGCACCATGGCCATCCTC[G>A]CCAGGTACGATGCCAGTCTCAGCTCCTACAGGAAACAACAGAGGGAGTTCAGACCCTCGC-3'
Protein context (NP_667338.3, residues 1119-1139): SQELRLASYL[Ala1129Val]RMAMVPGATL

ClinVar aggregate classification (germline): Uncertain significance (1 of 4 stars; one submission).

Conditions:
Curry-Hall syndrome (WAD). Also called: WEYERS ACRODENTAL DYSOSTOSIS. Identifiers: Orphanet 952, MedGen C0457013, MONDO:0008673, OMIM 193530.
Ellis-van Creveld syndrome (EVC). Also called: Chondroectodermal dysplasia; MESOECTODERMAL DYSPLASIA; EVC-Related Ellis-van Creveld Syndrome; EVC2-Related Ellis-van Creveld Syndrome. Identifiers: Orphanet 289, MedGen C0013903, MONDO:0009162, OMIM 225500.

Allele frequency attached by ClinVar (database versions not stated): gnomAD 0.00001; TOPMed 0.00001.
gnomAD v4.1: 27 of 1,608,718 alleles (0.0017%); highest among the groups gnomAD compares: African/African-American, 0.0027%; no homozygotes.

Submissions (2):

Labcorp Genetics (formerly Invitae), Labcorp
Classification: Uncertain significance for Curry-Hall syndrome; Ellis-van Creveld syndrome. Last evaluated: 2022-02-05. Review status: criteria provided, single submitter. Criteria: Invitae Variant Classification Sherloc (09022015). Collection method: clinical testing. Allele origin: germline.
Comment: This sequence change replaces alanine, which is neutral and non-polar, with valine, which is neutral and non-polar, at codon 1129 of the EVC2 protein (p.Ala1129Val). The frequency data for this variant in the population databases is considered unreliable, as metrics indicate poor data quality at this position in the gnomAD database. This variant has not been reported in the literature in individuals affected with EVC2-related conditions. Algorithms developed to predict the effect of missense changes on protein structure and function (SIFT, PolyPhen-2, Align-GVGD) all suggest that this variant is likely to be tolerated. Algorithms developed to predict the effect of sequence changes on RNA splicing suggest that this variant may create or strengthen a splice site. In summary, the available evidence is currently insufficient to determine the role of this variant in disease. Therefore, it has been classified as a Variant of Uncertain Significance.

Dr. Peter K. Rogan Lab, Western University
No classification provided (evidence only). Condition: Colon adenocarcinoma. Review status: no classification provided. Collection method: in vitro. Allele origin: not applicable. Functional consequence: retained intron. Not counted in ClinVar's aggregate classification.